The following is an entry in ClinVar:

NM_000059.4(BRCA2):c.3609T>G (p.Ser1203Arg)

Gene: BRCA2 (BRCA2 DNA repair associated; plus strand). Cytogenetic location: 13q13.1.
Variant type: single nucleotide variant.
Coding change: c.3609T>G on transcript NM_000059.4 (MANE Select); coding-DNA position 3609, T replaced by G.
Protein change: p.Ser1203Arg; replaces serine 1203 with arginine.
Molecular consequence: missense variant. On other transcripts: non-coding transcript variant (1), intron variant (2).
Genome position (GRCh38, 1-based): chr13:32,337,964, T>G. VCF-style: chr13-32337964-T-G. GRCh37 (hg19) VCF-style: chr13-32912101-T-G.
Other names: c.3609T>G, p.Ser1203Arg (NM_001406719.1, NM_001406720.1); c.1909+4577T>G (NM_001406721.1); c.425-6594T>G (NM_001406722.1); short protein forms S1203R.
Identifiers: ClinVar variation 3226308 (VCV003226308.1), dbSNP rs1490767697, ClinGen allele CA387777534.
Genomic context (GRCh38, chr13:32,337,964, plus strand): 5'-AGGTACAGTTGAAATTAAACGGAAGTTTGCTGGCCTGTTGAAAAATGACTGTAACAAAAG[T>G]GCTTCTGGTTATTTAACAGATGAAAATGAAGTGGGGTTTAGGGGCTTTTATTCTGCTCAT-3'
Protein context (NP_000050.3, residues 1193-1213): AGLLKNDCNK[Ser1203Arg]ASGYLTDENE

ClinVar aggregate classification (germline): Uncertain significance (1 of 4 stars; one submission).

Conditions:
Hereditary cancer-predisposing syndrome. Also called: Neoplastic Syndromes, Hereditary; Tumor predisposition; Hereditary neoplastic syndrome; Hereditary Cancer Syndrome. Identifiers: Orphanet 140162, MedGen C0027672, MeSH D009386, MONDO:0015356.

Submission:

Ambry Genetics
Classification: Uncertain significance for Hereditary cancer-predisposing syndrome. Last evaluated: 2023-12-22. Review status: criteria provided, single submitter. Criteria: Ambry Variant Classification Scheme 2023. Collection method: clinical testing. Allele origin: germline.
Comment: The p.S1203R variant (also known as c.3609T>G), located in coding exon 10 of the BRCA2 gene, results from a T to G substitution at nucleotide position 3609. The serine at codon 1203 is replaced by arginine, an amino acid with dissimilar properties. This amino acid position is conserved. In addition, this alteration is predicted to be tolerated by in silico analysis. Since supporting evidence is limited at this time, the clinical significance of this alteration remains unclear.